The following is an entry in ClinVar:

ClinVar aggregate classification (germline): Uncertain significance (1 of 4 stars; one submission).

Conditions:
Hereditary cancer-predisposing syndrome. Also called: Tumor predisposition; Hereditary neoplastic syndrome; Hereditary Cancer Syndrome; Neoplastic Syndromes, Hereditary. Identifiers: Orphanet 140162, MedGen C0027672, MeSH D009386, MONDO:0015356.

Submission:

Ambry Genetics
Classification: Uncertain significance for Hereditary cancer-predisposing syndrome. Last evaluated: 2025-03-29. Review status: criteria provided, single submitter. Criteria: Ambry Variant Classification Scheme 2023. Collection method: clinical testing. Allele origin: germline.
Comment: The p.V348L variant (also known as c.1042G>C), located in coding exon 10 of the PRKAR1A gene, results from a G to C substitution at nucleotide position 1042. The valine at codon 348 is replaced by leucine, an amino acid with highly similar properties. This amino acid position is conserved. In addition, this alteration is predicted to be deleterious by in silico analysis. Based on the available evidence, the clinical significance of this variant remains unclear.

NM_002734.5(PRKAR1A):c.1042G>C (p.Val348Leu)

Gene: PRKAR1A (protein kinase cAMP-dependent type I regulatory subunit alpha; plus strand). Cytogenetic location: 17q24.2.
Variant type: single nucleotide variant.
Coding change: c.1042G>C on transcript NM_002734.5 (MANE Select); coding-DNA position 1042, G replaced by C.
Protein change: p.Val348Leu; replaces valine 348 with leucine.
Molecular consequence: missense variant. On other transcripts: intron variant (1).
Genome position (GRCh38, 1-based): chr17:68,530,345, G>C. VCF-style: chr17-68530345-G-C. GRCh37 (hg19) VCF-style: chr17-66526486-G-C.
Other names: c.1042G>C, p.Val348Leu (NM_001276289.2, NM_001278433.2, NM_001369389.1 and 3 more transcripts); c.973+344G>C (NM_001276290.1); short protein forms V348L.
Identifiers: ClinVar variation 3938086 (VCV003938086.1).